The following is an entry in ClinVar:

NM_001105244.2(PTPRM):c.594T>C (p.Ala198=)

Gene: PTPRM (protein tyrosine phosphatase receptor type M; plus strand). Cytogenetic location: 18p11.23.
Variant type: single nucleotide variant.
Coding change: c.594T>C on transcript NM_001105244.2 (MANE Select); coding-DNA position 594, T replaced by C.
Protein change: p.Ala198=; no amino-acid change (alanine 198 retained).
Molecular consequence: synonymous variant.
Genome position (GRCh38, 1-based): chr18:7,926,614, T>C. VCF-style: chr18-7926614-T-C. GRCh37 (hg19) VCF-style: chr18-7926612-T-C.
Other names: c.594T>C, p.Ala198= (NM_002845.4).
Identifiers: ClinVar variation 3038624 (VCV003038624.2), dbSNP rs370655652, ClinGen allele CA8883923.

ClinVar aggregate classification (germline): Likely benign (0 of 4 stars; one submission).

Conditions:
PTPRM-related disorder. Also called: PTPRM-related condition.

Allele frequency attached by ClinVar (database versions not stated): ESP Exome Variant Server 0.00008; gnomAD 0.00023; TOPMed 0.00025; gnomAD exomes 0.00026; ExAC 0.00038.
gnomAD v4.1: 418 of 1,613,726 alleles (0.026%); highest among the groups gnomAD compares: Admixed American, 0.094%; 1 homozygote.

Submission:

PreventionGenetics, part of Exact Sciences
Classification: Likely benign for PTPRM-related condition. Last evaluated: 2019-05-21. Review status: no assertion criteria provided. Collection method: clinical testing. Allele origin: germline.
Comment: This variant is classified as likely benign based on ACMG/AMP sequence variant interpretation guidelines (Richards et al. 2015 PMID: 25741868, with internal and published modifications).